The following is an entry in ClinVar:

ClinVar aggregate classification (germline): Conflicting classifications of pathogenicity. Review status: criteria provided, conflicting classifications (1 of 4 stars). 5 submissions from 5 submitters: Likely pathogenic (1); Uncertain significance (4). Last evaluated 2026-08-06.

Conditions:
Muscular dystrophy-dystroglycanopathy (congenital with brain and eye anomalies), type A1 (MDDGA1). Also called: Muscular dystrophy-dystroglycanopathy (congenital with brain and eye anomalies), type A, 1; WALKER-WARBURG SYNDROME OR MUSCLE-EYE-BRAIN DISEASE, POMT1-RELATED; Hydrocephalus, agyria and retinal dysplasia; Hard +/- E syndrome; Warburg syndrome; Chemke syndrome. Identifiers: Orphanet 588, Orphanet 899, MedGen C4284790, MONDO:0009364, OMIM 236670.
Muscular dystrophy-dystroglycanopathy (congenital with impaired intellectual development), type B, 1. Also called: Muscular dystrophy-dystroglycanopathy (congenital with intellectual disability), type B1; MUSCULAR DYSTROPHY, CONGENITAL, POMT1-RELATED. Identifiers: MedGen C5436962, MONDO:0013159, OMIM 613155.
Autosomal recessive limb-girdle muscular dystrophy type 2K. Also called: MUSCULAR DYSTROPHY-DYSTROGLYCANOPATHY (LIMB-GIRDLE), TYPE C, 1; MUSCULAR DYSTROPHY, LIMB-GIRDLE, TYPE 2K. Identifiers: Orphanet 86812, MedGen C1836373, MONDO:0012248, OMIM 609308.
Walker-Warburg congenital muscular dystrophy. Also called: Muscular dystrophy-dystroglycanopathy, type A; Walker-Warburg syndrome. Identifiers: Orphanet 899, MedGen C0265221, MONDO:0000171.

Allele frequency attached by ClinVar (database versions not stated): gnomAD exomes below 0.00001 and 0.00002; TOPMed 0.00001; ESP Exome Variant Server 0.00008.
gnomAD v4.1: 27 of 1,614,214 alleles (0.0017%); highest among the groups gnomAD compares: Non-Finnish European, 0.0022%; no homozygotes.

Submissions (5):

OLLIN Analises Genomicas, OLLIN
Classification: Uncertain significance for Autosomal recessive limb-girdle muscular dystrophy type 2K. Last evaluated: 2026-08-06. Review status: criteria provided, single submitter. Criteria: ACMG Guidelines 2015 PMID 25741868. Collection method: clinical testing. Allele origin: germline.
Comment: This variant, has been reported in ClinVar (accession VCV000285653.11) and in gnomAD with an allele frequency of 0.0017%. However, to our knowledge, it has not been reported in the scientific literature. According to the currently available evidence, this variant has been classified as uncertain significance (PM2_P, PP3).

Dasa
Classification: Uncertain significance. Last evaluated: 2025-10-07. Review status: criteria provided, single submitter. Criteria: DASA Assertion Criteria. Collection method: clinical testing. Allele origin: germline.
Comment: NM_001077365.2(POMT1):c.122+5G>A is a splice-region variant. This variant has been observed in affected individuals with POMT1-related disorders. Also, this variant is rare in population databases. Computational prediction algorithms are consistent with a deleterious effect. The currently available literature and clinical evidence are not sufficient to establish a definitive association between this variant and the reported condition. Therefore, this variant is classified as a variant of uncertain significance.

Fulgent Genetics
Classification: Likely pathogenic for Muscular dystrophy-dystroglycanopathy (congenital with brain and eye anomalies), type A1; Autosomal recessive limb-girdle muscular dystrophy type 2K; Muscular dystrophy-dystroglycanopathy (congenital with impaired intellectual development), type B, 1. Last evaluated: 2024-02-17. Review status: criteria provided, single submitter. Criteria: ACMG Guidelines, 2015. Collection method: clinical testing. Allele origin: germline.

Labcorp Genetics (formerly Invitae), Labcorp
Classification: Uncertain significance for Muscular dystrophy-dystroglycanopathy (congenital with impaired intellectual development), type B, 1; Walker-Warburg congenital muscular dystrophy; Autosomal recessive limb-girdle muscular dystrophy type 2K. Last evaluated: 2021-08-20. Review status: criteria provided, single submitter. Criteria: Invitae Variant Classification Sherloc (09022015). Collection method: clinical testing. Allele origin: germline.
Comment: This sequence change falls in intron 2 of the POMT1 gene. It does not directly change the encoded amino acid sequence of the POMT1 protein. It affects a nucleotide within the consensus splice site of the intron. This variant is not present in population databases (ExAC no frequency). This variant has been observed in individual(s) with type II lissencephaly (PMID: 17559086). ClinVar contains an entry for this variant (Variation ID: 285653). Variants that disrupt the consensus splice site are a relatively common cause of aberrant splicing (PMID: 17576681, 9536098). Algorithms developed to predict the effect of sequence changes on RNA splicing suggest that this variant may disrupt the consensus splice site. In summary, the available evidence is currently insufficient to determine the role of this variant in disease. Therefore, it has been classified as a Variant of Uncertain Significance.

Eurofins Ntd Llc (ga)
Classification: Uncertain significance. Last evaluated: 2016-01-08. Review status: criteria provided, single submitter. Criteria: EGL Classification Definitions 2015. Collection method: clinical testing. Allele origin: germline. Observed: 1 variant allele, 1 heterozygote.

Literature cited by the submitters: PubMed 17559086 (cited by Labcorp Genetics (formerly Invitae), Labcorp); PubMed 17576681 (cited by Labcorp Genetics (formerly Invitae), Labcorp); PubMed 9536098 (cited by Labcorp Genetics (formerly Invitae), Labcorp).

NM_001077365.2(POMT1):c.122+5G>A

Gene: POMT1 (protein O-mannosyltransferase 1; plus strand). Cytogenetic location: 9q34.13.
Variant type: single nucleotide variant.
Coding change: c.122+5G>A on transcript NM_001077365.2 (MANE Select); 5 bases into the intron after coding-DNA position 122, G replaced by A.
Molecular consequence: intron variant. On other transcripts: 5 prime UTR variant (1).
Genome position (GRCh38, 1-based): chr9:131,504,345, G>A. VCF-style: chr9-131504345-G-A. GRCh37 (hg19) VCF-style: chr9-134379732-G-A.
Other names: c.-345G>A (NM_001353198.2); c.122+5G>A (NM_001353193.2, NM_001136113.2, NM_007171.4 and 2 more transcripts); c.-41+1032G>A (NM_001353194.2); c.-72+1032G>A (NM_001374691.1); c.-123+5G>A (NM_001353195.2); c.-72+5G>A (NM_001374692.1); c.-30+5G>A (NM_001374695.1); c.-41+1272G>A (NM_001374689.1, NM_001353197.2, NM_001077366.2 and 1 more transcripts); and 2 more.
Identifiers: ClinVar variation 285653 (VCV000285653.13), dbSNP rs376753193, ClinGen allele CA10605191.
Genomic context (GRCh38, chr9:131,504,345, plus strand): 5'-ACTGGGATGGGGTTACTGAGCCGGCTGTGGCGACTCACCTACCCGCGGGCTGTGGTGTAA[G>A]CTAAATGACTCCATTCCCAGGGTGAATCTAGAATTGTACTTTGTGACAGGAGGCGCCCTT-3'